The following is an entry in ClinVar:

NC_000002.11:g.(?_15372526)_(15374891_?)del

Gene: NBAS (NBAS subunit of NRZ tethering complex; minus strand). Cytogenetic location: 2p24.3.
Variant type: Deletion.
Identifiers: ClinVar variation 2426232 (VCV002426232.4).

ClinVar aggregate classification (germline): Pathogenic (1 of 4 stars; one submission).

Submission:

Labcorp Genetics (formerly Invitae), Labcorp
Classification: Pathogenic. Last evaluated: 2022-04-08. Review status: criteria provided, single submitter. Criteria: Invitae Variant Classification Sherloc (09022015). Collection method: clinical testing. Allele origin: germline.
Comment: For these reasons, this variant has been classified as Pathogenic. This variant is a gross deletion of the genomic region encompassing exon(s) 46-47 of the NBAS gene. This deletion is out-of-frame, and is expected to create a premature termination codon and result in an absent or disrupted protein product. Loss-of-function variants in NBAS are known to be pathogenic (PMID: 26073778, 26541327, 27789416, 28031453). This variant has not been reported in the literature in individuals affected with NBAS-related conditions. Experimental studies and prediction algorithms are not available or were not evaluated, and the functional significance of this variant is currently unknown.

Literature cited by the submitters: PubMed 26073778; PubMed 26541327; PubMed 27789416; PubMed 28031453.